The following is an entry in ClinVar:

NM_005802.5(TOPORS):c.1610C>G (p.Ser537Cys)

Gene: TOPORS (TOP1 binding arginine/serine rich protein, E3 ubiquitin ligase; minus strand). Cytogenetic location: 9p21.1.
Variant type: single nucleotide variant.
Coding change: c.1610C>G on transcript NM_005802.5 (MANE Select); coding-DNA position 1610, C replaced by G.
Protein change: p.Ser537Cys; replaces serine 537 with cysteine.
Molecular consequence: missense variant.
Genome position (GRCh38, 1-based): chr9:32,542,915, G>C on the plus strand (C>G on the coding strand, the complement: TOPORS is on the minus strand). VCF-style: chr9-32542915-G-C. GRCh37 (hg19) VCF-style: chr9-32542913-G-C.
Other names: c.1415C>G, p.Ser472Cys (NM_001195622.2); short protein forms S472C, S537C.
Identifiers: ClinVar variation 953924 (VCV000953924.9), dbSNP rs764570718, ClinGen allele CA5020499.
Genomic context (GRCh38, chr9:32,542,915, plus strand): 5'-TTGATTCTTGTACTAGAATCACAATGACCTTTATTTATTTGTTCATCCTTTCCAAGGACA[G>C]AGTGTGGAGATGAGCATCTACTAACATCGCTATCACCAGAACTGTAAGATTGCTCCTGTT-3'
Protein context (NP_005793.2, residues 527-547): SDVSRCSSPH[Ser537Cys]VLGKDEQINK

ClinVar aggregate classification (germline): Uncertain significance (1 of 4 stars; one submission).

Allele frequency attached by ClinVar (database versions not stated): gnomAD exomes below 0.00001 and 0.00001; TOPMed below 0.00001; ExAC 0.00001.
gnomAD v4.1: 6 of 1,614,162 alleles (0.00037%); highest among the groups gnomAD compares: East Asian, 0.0022%; no homozygotes.

Submission:

Labcorp Genetics (formerly Invitae), Labcorp
Classification: Uncertain significance. Last evaluated: 2020-10-28. Review status: criteria provided, single submitter. Criteria: Invitae Variant Classification Sherloc (09022015). Collection method: clinical testing. Allele origin: germline.
Comment: In summary, the available evidence is currently insufficient to determine the role of this variant in disease. Therefore, it has been classified as a Variant of Uncertain Significance. Algorithms developed to predict the effect of missense changes on protein structure and function are either unavailable or do not agree on the potential impact of this missense change (SIFT: "Tolerated"; PolyPhen-2: "Probably Damaging"; Align-GVGD: "Class C0"). This variant has not been reported in the literature in individuals with TOPORS-related conditions. This variant is present in population databases (rs764570718, ExAC 0.001%). This sequence change replaces serine with cysteine at codon 537 of the TOPORS protein (p.Ser537Cys). The serine residue is moderately conserved and there is a moderate physicochemical difference between serine and cysteine.